The following is an entry in ClinVar:

ClinVar aggregate classification (germline): Uncertain significance (1 of 4 stars; one submission).

Submission:

Ambry Genetics
Classification: Uncertain significance. Last evaluated: 2021-07-08. Review status: criteria provided, single submitter. Criteria: Ambry Variant Classification Scheme 2023. Collection method: clinical testing. Allele origin: germline.
Comment: The p.F3750L variant (also known as c.11248T>C), located in coding exon 79 of the PRKDC gene, results from a T to C substitution at nucleotide position 11248. The phenylalanine at codon 3750 is replaced by leucine, an amino acid with highly similar properties. This amino acid position is conserved. In addition, this alteration is predicted to be deleterious by in silico analysis. Since supporting evidence is limited at this time, the clinical significance of this alteration remains unclear.

NM_006904.7(PRKDC):c.11248T>C (p.Phe3750Leu)

Gene: PRKDC (protein kinase, DNA-activated, catalytic subunit; minus strand). Cytogenetic location: 8q11.21.
Variant type: single nucleotide variant.
Coding change: c.11248T>C on transcript NM_006904.7 (MANE Select); coding-DNA position 11248, T replaced by C.
Protein change: p.Phe3750Leu; replaces phenylalanine 3750 with leucine.
Molecular consequence: missense variant.
Genome position (GRCh38, 1-based): chr8:47,782,526, A>G on the plus strand (T>C on the coding strand, the complement: PRKDC is on the minus strand). VCF-style: chr8-47782526-A-G. GRCh37 (hg19) VCF-style: chr8-48695087-A-G.
Other names: c.11248T>C, p.Phe3750Leu (NM_001081640.2); short protein forms F3750L.
Identifiers: ClinVar variation 1798588 (VCV001798588.2), dbSNP rs2551860418, ClinGen allele CA371130061.